The following is an entry in ClinVar:

ClinVar aggregate classification (germline): Uncertain significance (1 of 4 stars; one submission).

Conditions:
Hereditary cancer-predisposing syndrome. Also called: Neoplastic Syndromes, Hereditary; Tumor predisposition; Hereditary Cancer Syndrome; Hereditary neoplastic syndrome. Identifiers: Orphanet 140162, MedGen C0027672, MeSH D009386, MONDO:0015356.

Submission:

Ambry Genetics
Classification: Uncertain significance for Hereditary cancer-predisposing syndrome. Last evaluated: 2026-06-01. Review status: criteria provided, single submitter. Criteria: Ambry Variant Classification Scheme 2023. Collection method: clinical testing. Allele origin: germline.
Comment: The c.6658-10_6663DUP16 variant begins 10 nucleotide(s) before coding exon 48 in the POLE gene. This variant results from a duplication of 16 nucleotides at positions c.6658-10 to c.6663. This variant does not change the sequence of the canonical acceptor at this splice site. This nucleotide region is conserved in available vertebrate species. In silico splice site analysis predicts that this alteration will result in the creation or strengthening of a novel splice acceptor site. Based on the available evidence, the clinical significance of this variant remains unclear.

NM_006231.4(POLE):c.6658-10_6663dup

Gene: POLE (DNA polymerase epsilon, catalytic subunit; minus strand). Cytogenetic location: 12q24.33.
Variant type: Duplication.
Coding change: c.6658-10_6663dup on transcript NM_006231.4 (MANE Select); 10 bases into the intron before coding-DNA position 6658 through coding-DNA position 6663, 16 bases duplicated (TCCCTTTCAGGTCTGC).
Molecular consequence: splice acceptor variant.
Genome position (GRCh38, 1-based): chr12:132,624,989-132,625,004, GCAGACCTGAAAGGGA duplicated on the plus strand (TCCCTTTCAGGTCTGC on the coding strand, the reverse complement: POLE is on the minus strand); duplicating any 16 consecutive bases within chr12:132,624,989-132,625,008 gives the same sequence; the c. name uses the placement nearest the transcript's 3' end. VCF-style (leftmost placement, unchanged base first): chr12-132624988-G-GGCAGACCTGAAAGGGA. GRCh37 (hg19) VCF-style: chr12-133201574-G-GGCAGACCTGAAAGGGA.
Identifiers: ClinVar variation 4862336 (VCV004862336.1).
Genomic context (GRCh38, chr12:132,624,988, plus strand): 5'-AGTCTCCCGCGCAGCTGCAGTACACAGGCATGCTGGTCTCCTTCACCCCGCGGCACTTCA[G>GGCAGACCTGAAAGGGA]GCAGACCTGAAAGGGAGCAGCCCCGATGGGCGCCAGCCCTCCCGCGCTGGCCAGACCTGC-3'